The following is an entry in ClinVar:

ClinVar aggregate classification (germline): Uncertain significance. Review status: criteria provided, multiple submitters, no conflicts (2 of 4 stars). 4 submissions from 4 submitters: Uncertain significance (3). 1 of the submissions does not count toward it. Last evaluated 2024-10-13.

Conditions:
Cardiovascular phenotype. Identifiers: MedGen CN230736.
Alstrom syndrome (ALMS). Identifiers: Orphanet 64, MedGen C0268425, MONDO:0008763, OMIM 203800.

Allele frequency attached by ClinVar (database versions not stated): gnomAD exomes below 0.00001 and 0.00001; gnomAD 0.00001.
gnomAD v4.1: 19 of 1,613,860 alleles (0.0012%); highest among the groups gnomAD compares: Admixed American, 0.0017%; no homozygotes.

Submissions (4):

Labcorp Genetics (formerly Invitae), Labcorp
Classification: Uncertain significance for Alstrom syndrome. Last evaluated: 2024-10-13. Review status: criteria provided, single submitter. Criteria: Invitae Variant Classification Sherloc (09022015). Collection method: clinical testing. Allele origin: germline.
Comment: This sequence change replaces glycine, which is neutral and non-polar, with serine, which is neutral and polar, at codon 1105 of the ALMS1 protein (p.Gly1105Ser). This variant is present in population databases (no rsID available, gnomAD 0.0009%). This variant has not been reported in the literature in individuals affected with ALMS1-related conditions. ClinVar contains an entry for this variant (Variation ID: 403948). An algorithm developed to predict the effect of missense changes on protein structure and function outputs the following: PolyPhen-2: "Not Available". The serine amino acid residue is found in multiple mammalian species, which suggests that this missense change does not adversely affect protein function. In summary, the available evidence is currently insufficient to determine the role of this variant in disease. Therefore, it has been classified as a Variant of Uncertain Significance.

Ambry Genetics
Classification: Uncertain significance for Cardiovascular phenotype. Last evaluated: 2022-12-09. Review status: criteria provided, single submitter. Criteria: Ambry Variant Classification Scheme 2023. Collection method: clinical testing. Allele origin: germline.
Comment: The p.G1105S variant (also known as c.3313G>A), located in coding exon 8 of the ALMS1 gene, results from a G to A substitution at nucleotide position 3313. The glycine at codon 1105 is replaced by serine, an amino acid with similar properties. This amino acid position is poorly conserved in available vertebrate species. In addition, this alteration is predicted to be tolerated by in silico analysis. Since supporting evidence is limited at this time, the clinical significance of this alteration remains unclear.

Fulgent Genetics
Classification: Uncertain significance for Alstrom syndrome. Last evaluated: 2021-12-29. Review status: criteria provided, single submitter. Criteria: ACMG Guidelines, 2015. Collection method: clinical testing. Allele origin: unknown.

Natera, Inc.
Classification: Uncertain significance for Alstrom syndrome. Last evaluated: 2021-05-25. Review status: no assertion criteria provided. Collection method: clinical testing. Allele origin: germline. Not counted in ClinVar's aggregate classification.

NM_001378454.1(ALMS1):c.3310G>A (p.Gly1104Ser)

Gene: ALMS1 (ALMS1 centrosome and basal body associated protein; plus strand). Cytogenetic location: 2p13.1.
Variant type: single nucleotide variant.
Coding change: c.3310G>A on transcript NM_001378454.1 (MANE Select); coding-DNA position 3310, G replaced by A.
Protein change: p.Gly1104Ser; replaces glycine 1104 with serine.
Molecular consequence: missense variant.
Genome position (GRCh38, 1-based): chr2:73,449,837, G>A. VCF-style: chr2-73449837-G-A. GRCh37 (hg19) VCF-style: chr2-73676964-G-A.
Other names: c.3313G>A, p.Gly1105Ser (NM_015120.4); short protein forms G1105S, G1104S.
Identifiers: ClinVar variation 403948 (VCV000403948.15), dbSNP rs868703237, ClinGen allele CA16611009.
Genomic context (GRCh38, chr2:73,449,837, plus strand): 5'-GACCAGATGACTGACACACCAGCAGTACCGTCTACTTTCTACTCACAAAGAGAGAAGCCT[G>A]GTATTTTCTACCAACAGACCTTGCCAGAGAGTCATCTGCCTAAAGAGGCTCTGAAAATTT-3'
Protein context (NP_001365383.1, residues 1094-1114): STFYSQREKP[Gly1104Ser]IFYQQTLPES